The following is an entry in ClinVar:

NM_004415.4(DSP):c.5647T>C (p.Ser1883Pro)

Gene: DSP (desmoplakin; plus strand). Cytogenetic location: 6p24.3.
Variant type: single nucleotide variant.
Coding change: c.5647T>C on transcript NM_004415.4 (MANE Select); coding-DNA position 5647, T replaced by C.
Protein change: p.Ser1883Pro; replaces serine 1883 with proline.
Molecular consequence: missense variant.
Genome position (GRCh38, 1-based): chr6:7,582,909, T>C. VCF-style: chr6-7582909-T-C. GRCh37 (hg19) VCF-style: chr6-7583142-T-C.
Other names: c.3850T>C, p.Ser1284Pro (NM_001008844.3); c.4318T>C, p.Ser1440Pro (NM_001319034.2); short protein forms S1284P, S1440P, S1883P.
Identifiers: ClinVar variation 1171667 (VCV001171667.11), dbSNP rs1056652234, ClinGen allele CA133972088.

ClinVar aggregate classification (germline): Uncertain significance. Review status: criteria provided, multiple submitters, no conflicts (2 of 4 stars). 4 submissions from 4 submitters: Uncertain significance (4). Last evaluated 2024-10-26.

Conditions:
Cardiovascular phenotype. Identifiers: MedGen CN230736.
Cardiomyopathy (CMYO). Also called: Cardiomyopathies. Identifiers: Orphanet 167848, MedGen C0878544, MONDO:0004994, HP:0001638. Inheritance: Various modes of inheritance.
Arrhythmogenic cardiomyopathy with wooly hair and keratoderma. Also called: Dilated cardiomyopathy with woolly hair and keratoderma; PALMOPLANTAR KERATODERMA WITH LEFT VENTRICULAR CARDIOMYOPATHY AND WOOLLY HAIR; Carvajal syndrome; Arrhythmogenic cardiomyopathy with woolly hair and keratoderma. Identifiers: Orphanet 65282, MedGen C1854063, MONDO:0011581, OMIM 605676.
Arrhythmogenic right ventricular dysplasia 8 (ARVD8). Also called: Arrhythmogenic Right Ventricular Dysplasia/Cardiomyopathy 8; ARRHYTHMOGENIC RIGHT VENTRICULAR DYSPLASIA, FAMILIAL, 8; ARRHYTHMOGENIC RIGHT VENTRICULAR CARDIOMYOPATHY 8. Identifiers: MedGen C1843896, MONDO:0011831, OMIM 607450.

Allele frequency attached by ClinVar (database versions not stated): gnomAD 0.00001; TOPMed 0.00002.
gnomAD v4.1: 2 of 1,613,458 alleles (0.00012%); highest among the groups gnomAD compares: Admixed American, 0.0017%; no homozygotes.

Submissions (4):

Labcorp Genetics (formerly Invitae), Labcorp
Classification: Uncertain significance for Arrhythmogenic cardiomyopathy with wooly hair and keratoderma; Arrhythmogenic right ventricular dysplasia 8. Last evaluated: 2024-10-26. Review status: criteria provided, single submitter. Criteria: Invitae Variant Classification Sherloc (09022015). Collection method: clinical testing. Allele origin: germline.
Comment: This sequence change replaces serine, which is neutral and polar, with proline, which is neutral and non-polar, at codon 1883 of the DSP protein (p.Ser1883Pro). This variant is not present in population databases (gnomAD no frequency). This variant has not been reported in the literature in individuals affected with DSP-related conditions. ClinVar contains an entry for this variant (Variation ID: 1171667). An algorithm developed to predict the effect of missense changes on protein structure and function (PolyPhen-2) suggests that this variant is likely to be disruptive. In summary, the available evidence is currently insufficient to determine the role of this variant in disease. Therefore, it has been classified as a Variant of Uncertain Significance.

All of Us Research Program, National Institutes of Health
Classification: Uncertain significance for Arrhythmogenic cardiomyopathy with wooly hair and keratoderma. Last evaluated: 2024-03-05. Review status: criteria provided, single submitter. Criteria: ACMG Guidelines, 2015. Collection method: clinical testing. Allele origin: germline. Inheritance: Autosomal dominant inheritance. Observed: 1 variant allele, 1 heterozygote.
Comment: This study involves interpretation of variants in research participants for the purpose of population health screening. Participant phenotype was not available at the time of variant classification. Additional details can be found in publication PMID: 35346344, PMCID: PMC8962531

Ambry Genetics
Classification: Uncertain significance for Cardiovascular phenotype. Last evaluated: 2021-08-07. Review status: criteria provided, single submitter. Criteria: Ambry Variant Classification Scheme 2023. Collection method: clinical testing. Allele origin: germline.
Comment: The p.S1883P variant (also known as c.5647T>C), located in coding exon 24 of the DSP gene, results from a T to C substitution at nucleotide position 5647. The serine at codon 1883 is replaced by proline, an amino acid with similar properties. This amino acid position is conserved. In addition, this alteration is predicted to be tolerated by in silico analysis. Since supporting evidence is limited at this time, the clinical significance of this alteration remains unclear.

Color Diagnostics, LLC DBA Color Health
Classification: Uncertain significance for Cardiomyopathy. Last evaluated: 2021-01-12. Review status: criteria provided, single submitter. Criteria: ACMG Guidelines, 2015. Collection method: clinical testing. Allele origin: germline.
Comment: This missense variant replaces serine with proline at codon 1883 of the DSP protein. Computational prediction suggests that this variant may not impact protein structure and function (internally defined REVEL score threshold <= 0.5, PMID: 27666373). To our knowledge, functional studies have not been reported for this variant. This variant has not been reported in individuals affected with cardiovascular disorders in the literature. This variant has not been identified in the general population by the Genome Aggregation Database (gnomAD). The available evidence is insufficient to determine the role of this variant in disease conclusively. Therefore, this variant is classified as a Variant of Uncertain Significance.